The following is an entry in ClinVar:

NM_002451.4(MTAP):c.*2085G>A

Gene: MTAP (methylthioadenosine phosphorylase; plus strand). Cytogenetic location: 9p21.3.
Variant type: single nucleotide variant.
Coding change: c.*2085G>A on transcript NM_002451.4 (MANE Select); 2085 bases downstream of the stop codon, G replaced by A.
Molecular consequence: 3 prime UTR variant.
Genome position (GRCh38, 1-based): chr9:21,864,099, G>A. VCF-style: chr9-21864099-G-A. GRCh37 (hg19) VCF-style: chr9-21864098-G-A.
Identifiers: ClinVar variation 366288 (VCV000366288.6), dbSNP rs10117507, ClinGen allele CA10629796.

ClinVar aggregate classification (germline): Benign. Review status: criteria provided, multiple submitters, no conflicts (2 of 4 stars). 2 submissions from 2 submitters: Benign (2). Last evaluated 2018-01-13.

Conditions:
Diaphyseal medullary stenosis-bone malignancy syndrome. Also called: MYOPATHY, LIMB-GIRDLE, WITH BONE FRAGILITY; BONE DYSPLASIA WITH MALIGNANT FIBROUS HISTIOCYTOMA; BONE DYSPLASIA WITH MEDULLARY FIBROSARCOMA. Identifiers: Orphanet 85182, MedGen C1862177, MONDO:0007205, OMIM 112250.

Allele frequency attached by ClinVar (database versions not stated): gnomAD 0.24202 and 0.24282; TOPMed 0.25813; 1000 Genomes Project 30x 0.28404; 1000 Genomes Project 0.28454.
gnomAD v4.1: 203,397 of 985,148 alleles (21%); highest among the groups gnomAD compares: East Asian, 39%; 21,816 homozygotes.

Submissions (2):

Illumina Laboratory Services, Illumina
Classification: Benign for Diaphyseal medullary stenosis-bone malignancy syndrome. Last evaluated: 2018-01-13. Review status: criteria provided, single submitter. Criteria: ICSL Variant Classification Criteria 13 December 2019. Collection method: clinical testing. Allele origin: germline.
Comment: This variant was observed in the ICSL laboratory as part of a predisposition screen in an ostensibly healthy population. It had not been previously curated by ICSL or reported in the Human Gene Mutation Database (HGMD: prior to June 1st, 2018), and was therefore a candidate for classification through an automated scoring system. Utilizing variant allele frequency, disease prevalence and penetrance estimates, and inheritance mode, an automated score was calculated to assess if this variant is too frequent to cause the disease. Based on the score and internal cut-off values, a variant classified as benign is not then subjected to further curation. The score for this variant resulted in a classification of benign for this disease.

Breakthrough Genomics
Classification: Benign. Review status: criteria provided, single submitter. Criteria: ACMG Guidelines, 2015. Collection method: not provided. Allele origin: germline. Inheritance: Autosomal dominant inheritance. Affected: yes.